The following is an entry in ClinVar:

ClinVar aggregate classification (germline): Pathogenic (1 of 4 stars; one submission).

Conditions:
Ataxia-telangiectasia syndrome (AT). Also called: LOUIS-BAR SYNDROME; Ataxia telangiectasia (A-T); Cerebello-oculocutaneous telangiectasia; Immunodeficiency with ataxia telangiectasia; ATAXIA-TELANGIECTASIA, COMPLEMENTATION GROUP A; ATAXIA-TELANGIECTASIA, FRESNO VARIANT. Identifiers: Orphanet 100, MedGen C0004135, MONDO:0008840, OMIM 208900.

Submission:

Labcorp Genetics (formerly Invitae), Labcorp
Classification: Pathogenic for Ataxia-telangiectasia syndrome. Last evaluated: 2021-12-29. Review status: criteria provided, single submitter. Criteria: Invitae Variant Classification Sherloc (09022015). Collection method: clinical testing. Allele origin: germline.
Comment: This variant is also known as c.2404delT (p.F802fs). This premature translational stop signal has been observed in individual(s) with breast cancer (PMID: 28724667, 30607632). This variant is not present in population databases (gnomAD no frequency). This sequence change creates a premature translational stop signal (p.Phe803Serfs*5) in the ATM gene. It is expected to result in an absent or disrupted protein product. Loss-of-function variants in ATM are known to be pathogenic (PMID: 23807571, 25614872). For these reasons, this variant has been classified as Pathogenic.

Literature cited by the submitters: PubMed 28724667; PubMed 30607632; PubMed 23807571; PubMed 25614872.

NM_000051.4(ATM):c.2408del (p.Phe803fs)

Gene: ATM (ATM serine/threonine kinase; plus strand). Cytogenetic location: 11q22.3.
Variant type: Deletion.
Coding change: c.2408del on transcript NM_000051.4 (MANE Select); coding-DNA position 2408, one base deleted (T; older notation c.2408delT).
Protein change: p.Phe803fs; shifts the reading frame from phenylalanine 803.
Molecular consequence: frameshift variant.
Genome position (GRCh38, 1-based): chr11:108,259,017, T deleted; the last of 5 consecutive T bases (chr11:108,259,013-108,259,017); deleting any one gives the same sequence. VCF-style (leftmost placement, unchanged base first): chr11-108259012-CT-C. GRCh37 (hg19) VCF-style: chr11-108129739-CT-C.
Other names: c.2408del, p.Phe803fs (NM_001351834.2); short protein forms F803fs.
Identifiers: ClinVar variation 2137239 (VCV002137239.4), dbSNP rs2497417818, ClinGen allele CA645569749.